The following is an entry in ClinVar:

NM_199420.4(POLQ):c.1910G>A (p.Arg637Lys)

Gene: POLQ (DNA polymerase theta; minus strand). Cytogenetic location: 3q13.33.
Variant type: single nucleotide variant.
Coding change: c.1910G>A on transcript NM_199420.4 (MANE Select); coding-DNA position 1910, G replaced by A.
Protein change: p.Arg637Lys; replaces arginine 637 with lysine.
Molecular consequence: missense variant.
Genome position (GRCh38, 1-based): chr3:121,509,610, C>T on the plus strand (G>A on the coding strand, the complement: POLQ is on the minus strand). VCF-style: chr3-121509610-C-T. GRCh37 (hg19) VCF-style: chr3-121228457-C-T.
Other names: short protein forms R637K.
Identifiers: ClinVar variation 3422561 (VCV003422561.1).

ClinVar aggregate classification (germline): Uncertain significance (1 of 4 stars; one submission).

Submission:

Ambry Genetics
Classification: Uncertain significance. Last evaluated: 2024-09-20. Review status: criteria provided, single submitter. Criteria: Ambry Variant Classification Scheme 2023. Collection method: clinical testing. Allele origin: germline.
Comment: The p.R637K variant (also known as c.1910G>A), located in coding exon 12 of the POLQ gene, results from a G to A substitution at nucleotide position 1910. The arginine at codon 637 is replaced by lysine, an amino acid with highly similar properties. This amino acid position is conserved. In addition, this alteration is predicted to be tolerated by in silico analysis. Based on the available evidence, the clinical significance of this variant remains unclear.